The following is an entry in ClinVar:

ClinVar aggregate classification (germline): Uncertain significance (1 of 4 stars; one submission).

Conditions:
Hereditary cancer-predisposing syndrome. Also called: Neoplastic Syndromes, Hereditary; Tumor predisposition; Hereditary neoplastic syndrome; Hereditary Cancer Syndrome. Identifiers: Orphanet 140162, MedGen C0027672, MeSH D009386, MONDO:0015356.

Submission:

Color Diagnostics, LLC DBA Color Health
Classification: Uncertain significance for Hereditary cancer-predisposing syndrome. Last evaluated: 2023-12-05. Review status: criteria provided, single submitter. Criteria: ACMG Guidelines, 2015. Collection method: clinical testing. Allele origin: germline.
Comment: This missense variant replaces serine with threonine at codon 289 of the BAP1 protein. Computational prediction suggests that this variant may not impact protein structure and function (internally defined REVEL score threshold <= 0.5, PMID: 27666373). To our knowledge, functional studies have not been reported for this variant. This variant has not been reported in individuals affected with BAP1-related disorders in the literature. This variant has not been identified in the general population by the Genome Aggregation Database (gnomAD). The available evidence is insufficient to determine the role of this variant in disease conclusively. Therefore, this variant is classified as a Variant of Uncertain Significance.

NM_004656.4(BAP1):c.866G>C (p.Ser289Thr)

Gene: BAP1 (BRCA1 associated deubiquitinase 1; minus strand). Cytogenetic location: 3p21.1.
Variant type: single nucleotide variant.
Coding change: c.866G>C on transcript NM_004656.4 (MANE Select); coding-DNA position 866, G replaced by C.
Protein change: p.Ser289Thr; replaces serine 289 with threonine.
Molecular consequence: missense variant.
Genome position (GRCh38, 1-based): chr3:52,405,830, C>G on the plus strand (G>C on the coding strand, the complement: BAP1 is on the minus strand). VCF-style: chr3-52405830-C-G. GRCh37 (hg19) VCF-style: chr3-52439846-C-G.
Other names: short protein forms S289T.
Identifiers: ClinVar variation 629056 (VCV000629056.5), dbSNP rs1559589194, ClinGen allele CA353106709.